The following is an entry in ClinVar:

NM_000059.4(BRCA2):c.6828_6829insTAGAGCCC (p.Leu2277Ter)

Gene: BRCA2 (BRCA2 DNA repair associated; plus strand). Cytogenetic location: 13q13.1.
Variant type: Microsatellite.
Coding change: c.6828_6829insTAGAGCCC on transcript NM_000059.4 (MANE Select); coding-DNA positions 6828 to 6829, TAGAGCCC inserted.
Protein change: p.Leu2277Ter; replaces leucine 2277 with a stop codon.
Molecular consequence: nonsense. On other transcripts: inframe indel (3).
Genome position: GRCh38 VCF-style: chr13-32341176-G-GAGAGCCCT. GRCh37 (hg19) VCF-style: chr13-32915313-G-GAGAGCCCT.
Other names: c.6822_6828AG[2][1], p.Pro2276del (NM_001406719.1, NM_001406720.1); c.6828_6829insTAGAGCCC (NM_000059.3); short protein forms L2277*, P2276del.
Identifiers: ClinVar variation 1755666 (VCV001755666.8), dbSNP rs2548534152.

ClinVar aggregate classification (germline): Pathogenic. Review status: criteria provided, multiple submitters, no conflicts (2 of 4 stars). 3 submissions from 3 submitters: Pathogenic (3). Last evaluated 2024-05-21.

Conditions:
Hereditary breast ovarian cancer syndrome. Also called: Hereditary breast and ovarian cancer syndrome; Breast and ovarian cancer; Hereditary breast and/or ovarian cancer syndrome; Hereditary breast and ovarian cancer; BRCA1- and BRCA2-Associated Hereditary Breast and Ovarian Cancer; Hereditary breast and ovarian cancer syndrome (HBOC). Identifiers: Orphanet 145, MedGen C0677776, MeSH D061325, MONDO:0003582. Disease mechanism: loss of function.
Hereditary cancer-predisposing syndrome. Also called: Neoplastic Syndromes, Hereditary; Tumor predisposition; Hereditary neoplastic syndrome; Hereditary Cancer Syndrome. Identifiers: Orphanet 140162, MedGen C0027672, MeSH D009386, MONDO:0015356.
Breast-ovarian cancer, familial, susceptibility to, 2 (BROVCA2). Also called: BRCA2 Hereditary Breast and Ovarian Cancer. Identifiers: Orphanet 145, MedGen C2675520, MONDO:0012933, OMIM 612555. Disease mechanism: loss of function.

Submissions (3):

Labcorp Genetics (formerly Invitae), Labcorp
Classification: Pathogenic for Hereditary breast ovarian cancer syndrome. Last evaluated: 2024-05-21. Review status: criteria provided, single submitter. Criteria: Invitae Variant Classification Sherloc (09022015). Collection method: clinical testing. Allele origin: germline.
Comment: This sequence change creates a premature translational stop signal (p.Leu2277*) in the BRCA2 gene. It is expected to result in an absent or disrupted protein product. Loss-of-function variants in BRCA2 are known to be pathogenic (PMID: 20104584). This variant is not present in population databases (gnomAD no frequency). This variant has not been reported in the literature in individuals affected with BRCA2-related conditions. ClinVar contains an entry for this variant (Variation ID: 1755666). For these reasons, this variant has been classified as Pathogenic.

Myriad Genetics, Inc.
Classification: Pathogenic for Breast-ovarian cancer, familial, susceptibility to, 2. Last evaluated: 2023-07-18. Review status: criteria provided, single submitter. Criteria: Myriad Autosomal Dominant, Autosomal Recessive and X-Linked Classification Criteria (2023). Collection method: clinical testing. Allele origin: unknown.
Comment: This variant is considered pathogenic. This variant creates a termination codon and is predicted to result in premature protein truncation.

Ambry Genetics
Classification: Pathogenic for Hereditary cancer-predisposing syndrome. Last evaluated: 2022-06-27. Review status: criteria provided, single submitter. Criteria: Ambry Variant Classification Scheme 2023. Collection method: clinical testing. Allele origin: germline.
Comment: The c.6828_6829insTAGAGCCC pathogenic mutation, located in coding exon 10 of the BRCA2 gene, results from an insertion of 8 nucleotides at position 6828, causing a translational frameshift with a predicted alternate stop codon (p.L2277*). This variant is considered to be rare based on population cohorts in the Genome Aggregation Database (gnomAD). This alteration is expected to result in loss of function by premature protein truncation or nonsense-mediated mRNA decay. As such, this alteration is interpreted as a disease-causing mutation.

Literature cited by the submitters: PubMed 20104584 (cited by Labcorp Genetics (formerly Invitae), Labcorp).